The following is an entry in ClinVar:

ClinVar aggregate classification (germline): Likely benign (1 of 4 stars; one submission).

Allele frequency attached by ClinVar (database versions not stated): gnomAD below 0.00001 and 0.00001; gnomAD exomes 0.00002 and 0.00004; ExAC 0.00004.
gnomAD v4.1: 31 of 1,613,748 alleles (0.0019%); highest among the groups gnomAD compares: South Asian, 0.033%; 1 homozygote.

Submission:

GeneDx
Classification: Likely benign. Last evaluated: 2017-10-16. Review status: criteria provided, single submitter. Criteria: GeneDx Variant Classification (06012015). Collection method: clinical testing. Allele origin: germline. Affected: yes.
Comment: This variant is considered likely benign or benign based on one or more of the following criteria: it is a conservative change, it occurs at a poorly conserved position in the protein, it is predicted to be benign by multiple in silico algorithms, and/or has population frequency not consistent with disease.

NM_021100.5(NFS1):c.948+20C>T

Gene: NFS1 (NFS1 cysteine desulfurase; minus strand). Cytogenetic location: 20q11.22.
Variant type: single nucleotide variant.
Coding change: c.948+20C>T on transcript NM_021100.5 (MANE Select); 20 bases into the intron after coding-DNA position 948, C replaced by T.
Molecular consequence: intron variant.
Genome position (GRCh38, 1-based): chr20:35,675,025, G>A on the plus strand (C>T on the coding strand, the complement: NFS1 is on the minus strand). VCF-style: chr20-35675025-G-A. GRCh37 (hg19) VCF-style: chr20-34262947-G-A.
Other names: c.795+20C>T (NM_001198989.2).
Identifiers: ClinVar variation 512458 (VCV000512458.1), dbSNP rs769244132, ClinGen allele CA9837112.